The following is an entry in ClinVar:

NM_003172.4(SURF1):c.16G>T (p.Ala6Ser)

Gene: SURF1 (SURF1 cytochrome c oxidase assembly factor; minus strand). Cytogenetic location: 9q34.2.
Variant type: single nucleotide variant.
Coding change: c.16G>T on transcript NM_003172.4 (MANE Select); coding-DNA position 16, G replaced by T.
Protein change: p.Ala6Ser; replaces alanine 6 with serine.
Molecular consequence: missense variant. On other transcripts: 5 prime UTR variant (1).
Genome position (GRCh38, 1-based): chr9:133,356,438, C>A on the plus strand (G>T on the coding strand, the complement: SURF1 is on the minus strand). VCF-style: chr9-133356438-C-A. GRCh37 (hg19) VCF-style: chr9-136223314-C-A.
Other names: c.-260G>T (NM_001280787.1); short protein forms A6S.
Identifiers: ClinVar variation 1439916 (VCV001439916.3), dbSNP rs2119089250, ClinGen allele CA375695194.

ClinVar aggregate classification (germline): Uncertain significance (1 of 4 stars; one submission).

Conditions:
Leigh syndrome (NULS). Also called: Leigh Syndrome (mtDNA deletion); Leigh's necrotizing encephalopathy; Leigh's disease; Leigh's syndrome; Leigh Disease; LEIGH SYNDROME, NUCLEAR. Identifiers: Orphanet 506, MedGen C2931891, MONDO:0009723, OMIM 256000.

Submission:

Labcorp Genetics (formerly Invitae), Labcorp
Classification: Uncertain significance for Leigh syndrome. Last evaluated: 2021-11-24. Review status: criteria provided, single submitter. Criteria: Invitae Variant Classification Sherloc (09022015). Collection method: clinical testing. Allele origin: germline.
Comment: This sequence change replaces alanine, which is neutral and non-polar, with serine, which is neutral and polar, at codon 6 of the SURF1 protein (p.Ala6Ser). This variant is not present in population databases (gnomAD no frequency). This variant has not been reported in the literature in individuals affected with SURF1-related conditions. Algorithms developed to predict the effect of missense changes on protein structure and function output the following: SIFT: "Tolerated"; PolyPhen-2: "Not Available"; Align-GVGD: "Class C0". The serine amino acid residue is found in multiple mammalian species, which suggests that this missense change does not adversely affect protein function. In summary, the available evidence is currently insufficient to determine the role of this variant in disease. Therefore, it has been classified as a Variant of Uncertain Significance.